The following is an entry in ClinVar:

NM_000434.4(NEU1):c.699C>A (p.Ser233Arg)

Gene: NEU1 (neuraminidase 1; minus strand). Cytogenetic location: 6p21.33.
Variant type: single nucleotide variant.
Coding change: c.699C>A on transcript NM_000434.4 (MANE Select); coding-DNA position 699, C replaced by A.
Protein change: p.Ser233Arg; replaces serine 233 with arginine.
Molecular consequence: missense variant.
Genome position (GRCh38, 1-based): chr6:31,860,538, G>T on the plus strand (C>A on the coding strand, the complement: NEU1 is on the minus strand). VCF-style: chr6-31860538-G-T. GRCh37 (hg19) VCF-style: chr6-31828315-G-T.
Other names: short protein forms S233R.
Identifiers: ClinVar variation 2602890 (VCV002602890.2), dbSNP rs188562197, ClinGen allele CA363492392.

ClinVar aggregate classification (germline): Uncertain significance (1 of 4 stars; one submission).

Conditions:
Inborn genetic diseases. Identifiers: MedGen C0950123, MeSH D030342.

gnomAD v4.1: 6 of 1,613,946 alleles (0.00037%); highest among the groups gnomAD compares: Non-Finnish European, 0.00034%; no homozygotes.

Submission:

Ambry Genetics
Classification: Uncertain significance for Inborn genetic diseases. Last evaluated: 2023-07-25. Review status: criteria provided, single submitter. Criteria: Ambry Variant Classification Scheme 2023. Collection method: clinical testing. Allele origin: germline.
Comment: The c.699C>A (p.S233R) alteration is located in exon 4 (coding exon 4) of the NEU1 gene. This alteration results from a C to A substitution at nucleotide position 699, causing the serine (S) at amino acid position 233 to be replaced by an arginine (R). This variant was not reported in population-based cohorts in the Genome Aggregation Database (gnomAD). This variant has been confirmed in trans with another NEU1 variant in an individual diagnosed with sialidosis type I (M&uuml;tze, 2017). This amino acid position is highly conserved in available vertebrate species. This alteration is predicted to be deleterious by in silico analysis. Based on insufficient or conflicting evidence, the clinical significance of this alteration remains unclear.

Literature cited by the submitters: PubMed 27942463.